The following is an entry in ClinVar:

NM_000368.5(TSC1):c.2169G>T (p.Val723=)

Gene: TSC1 (TSC complex subunit 1; minus strand). Cytogenetic location: 9q34.13.
Variant type: single nucleotide variant.
Coding change: c.2169G>T on transcript NM_000368.5 (MANE Select); coding-DNA position 2169, G replaced by T.
Protein change: p.Val723=; no amino-acid change (valine 723 retained).
Molecular consequence: synonymous variant. On other transcripts: non-coding transcript variant (4).
Genome position (GRCh38, 1-based): chr9:132,903,690, C>A on the plus strand (G>T on the coding strand, the complement: TSC1 is on the minus strand). VCF-style: chr9-132903690-C-A. GRCh37 (hg19) VCF-style: chr9-135779077-C-A.
Other names: c.2169G>T, p.Val723= (NM_001406592.1, NM_001406593.1, NM_001406594.1 and 5 more transcripts); c.2166G>T, p.Val722= (NM_001406597.1, NM_001162426.2, NM_001406598.1 and 4 more transcripts); c.2016G>T, p.Val672= (NM_001162427.2, NM_001406610.1); c.1806G>T, p.Val602= (NM_001362177.2, NM_001406614.1, NM_001406615.1 and 5 more transcripts); c.2154G>T, p.Val718= (NM_001406601.1, NM_001406602.1); c.2151G>T, p.Val717= (NM_001406603.1, NM_001406604.1); c.2013G>T, p.Val671= (NM_001406611.1, NM_001406612.1, NM_001406613.1); c.1803G>T, p.Val601= (NM_001406620.1, NM_001406621.1, NM_001406622.1 and 2 more transcripts); and 3 more.
Identifiers: ClinVar variation 3811238 (VCV003811238.2).

ClinVar aggregate classification (germline): Benign/Likely benign. Review status: criteria provided, multiple submitters, no conflicts (2 of 4 stars). 2 submissions from 2 submitters: Benign (1); Likely benign (1). Last evaluated 2025-04-24.

Conditions:
Tuberous sclerosis 1 (TSC1). Identifiers: Orphanet 805, MedGen C1854465, MONDO:0008612, OMIM 191100.
Hereditary cancer-predisposing syndrome. Also called: Hereditary Cancer Syndrome; Hereditary neoplastic syndrome; Tumor predisposition; Neoplastic Syndromes, Hereditary. Identifiers: Orphanet 140162, MedGen C0027672, MeSH D009386, MONDO:0015356.

Submissions (2):

Myriad Genetics, Inc.
Classification: Benign for Tuberous sclerosis 1. Last evaluated: 2025-04-24. Review status: criteria provided, single submitter. Criteria: Myriad Autosomal Dominant, Autosomal Recessive and X-Linked Classification Criteria (2023). Collection method: clinical testing. Allele origin: unknown.
Comment: This variant is considered benign. This variant is a silent/synonymous amino acid change and it is not expected to impact splicing.

Ambry Genetics
Classification: Likely benign for Hereditary cancer-predisposing syndrome. Last evaluated: 2025-01-13. Review status: criteria provided, single submitter. Criteria: Ambry Variant Classification Scheme 2023. Collection method: clinical testing. Allele origin: germline.